The following is an entry in ClinVar:

NM_001025356.3(ANO6):c.276A>G (p.Gln92=)

Gene: ANO6 (anoctamin 6; plus strand). Cytogenetic location: 12q12.
Variant type: single nucleotide variant.
Coding change: c.276A>G on transcript NM_001025356.3 (MANE Select); coding-DNA position 276, A replaced by G.
Protein change: p.Gln92=; no amino-acid change (glutamine 92 retained).
Molecular consequence: synonymous variant.
Genome position (GRCh38, 1-based): chr12:45,331,420, A>G. VCF-style: chr12-45331420-A-G. GRCh37 (hg19) VCF-style: chr12-45725203-A-G.
Other names: c.222A>G, p.Gln74= (NM_001142678.2); c.276A>G, p.Gln92= (NM_001142679.2); c.339A>G, p.Gln113= (NM_001204803.2); c.243A>G, p.Gln81= (NM_001410973.1); c.276A>G (NM_001025356.2).
Identifiers: ClinVar variation 2056709 (VCV002056709.6), dbSNP rs140147341, ClinGen allele CA6524932.

ClinVar aggregate classification (germline): Benign/Likely benign. Review status: criteria provided, multiple submitters, no conflicts (2 of 4 stars). 3 submissions from 3 submitters: Benign (1); Likely benign (2). Last evaluated 2025-09-25.

Conditions:
ANO6-related disorder. Also called: ANO6-related condition.

Allele frequency attached by ClinVar (database versions not stated): ExAC 0.00030; gnomAD 0.00084; ESP Exome Variant Server 0.00085; 1000 Genomes Project 30x 0.00109; TOPMed 0.00124; 1000 Genomes Project 0.00140.
gnomAD v4.1: 317 of 1,603,258 alleles (0.02%); highest among the groups gnomAD compares: African/African-American, 0.32%; 4 homozygotes.

Submissions (3):

Labcorp Genetics (formerly Invitae), Labcorp
Classification: Benign. Last evaluated: 2025-09-25. Review status: criteria provided, single submitter. Criteria: Invitae Variant Classification Sherloc (09022015). Collection method: clinical testing. Allele origin: germline.

PreventionGenetics, part of Exact Sciences
Classification: Likely benign for ANO6-related condition. Last evaluated: 2025-08-15. Review status: criteria provided, single submitter. Criteria: ACMG Guidelines, 2015. Collection method: clinical testing. Allele origin: germline.
Comment: This variant is classified as likely benign based on ACMG/AMP sequence variant interpretation guidelines (Richards et al. 2015 PMID: 25741868, with internal and published modifications).

Women's Health and Genetics/Laboratory Corporation of America, LabCorp
Classification: Likely benign. Last evaluated: 2023-12-12. Review status: criteria provided, single submitter. Criteria: LabCorp Variant Classification Summary - May 2015. Collection method: clinical testing. Allele origin: germline.